The following is an entry in ClinVar:

NM_001110556.2(FLNA):c.3793A>T (p.Ile1265Phe)

Gene: FLNA (filamin A; minus strand). Cytogenetic location: Xq28.
Variant type: single nucleotide variant.
Coding change: c.3793A>T on transcript NM_001110556.2 (MANE Select); coding-DNA position 3793, A replaced by T.
Protein change: p.Ile1265Phe; replaces isoleucine 1265 with phenylalanine.
Molecular consequence: missense variant.
Genome position (GRCh38, 1-based): chrX:154,360,002, T>A on the plus strand (A>T on the coding strand, the complement: FLNA is on the minus strand). VCF-style: chrX-154360002-T-A. GRCh37 (hg19) VCF-style: chrX-153588370-T-A.
Other names: c.3793A>T, p.Ile1265Phe (NM_001456.4); short protein forms I1265F.
Identifiers: ClinVar variation 3897428 (VCV003897428.2).

ClinVar aggregate classification (germline): Uncertain significance. Review status: criteria provided, multiple submitters, no conflicts (2 of 4 stars). 2 submissions from 2 submitters: Uncertain significance (2). Last evaluated 2026-06-14.

Conditions:
Familial thoracic aortic aneurysm and aortic dissection (TAAD). Also called: Thoracic aortic aneurysms and dissections. Identifiers: Orphanet 91387, MedGen C4707243, MONDO:0019625.

Submissions (2):

Ambry Genetics
Classification: Uncertain significance for Familial thoracic aortic aneurysm and aortic dissection. Last evaluated: 2026-06-14. Review status: criteria provided, single submitter. Criteria: Ambry Variant Classification Scheme 2023. Collection method: clinical testing. Allele origin: germline.
Comment: The p.I1265F variant (also known as c.3793A>T), located in coding exon 21 of the FLNA gene, results from an A to T substitution at nucleotide position 3793. The isoleucine at codon 1265 is replaced by phenylalanine, an amino acid with highly similar properties. This amino acid position is conserved. In addition, this alteration is predicted to be tolerated by in silico analysis. Based on the available evidence, the clinical significance of this variant remains unclear.

GeneDx
Classification: Uncertain significance. Last evaluated: 2024-10-30. Review status: criteria provided, single submitter. Criteria: GeneDx Variant Classification Process June 2021. Collection method: clinical testing. Allele origin: germline. Affected: yes.
Comment: Has not been previously published as pathogenic or benign to our knowledge; Not observed at significant frequency in large population cohorts (gnomAD); In silico analysis supports that this missense variant has a deleterious effect on protein structure/function